The following is an entry in ClinVar:

NM_000245.4(MET):c.424C>G (p.Gln142Glu)

Gene: MET (MET proto-oncogene, receptor tyrosine kinase; plus strand). Cytogenetic location: 7q31.2.
Variant type: single nucleotide variant.
Coding change: c.424C>G on transcript NM_000245.4 (MANE Select); coding-DNA position 424, C replaced by G.
Protein change: p.Gln142Glu; replaces glutamine 142 with glutamic acid.
Molecular consequence: missense variant. On other transcripts: intron variant (1).
Genome position (GRCh38, 1-based): chr7:116,699,508, C>G. VCF-style: chr7-116699508-C-G. GRCh37 (hg19) VCF-style: chr7-116339562-C-G.
Other names: c.424C>G, p.Gln142Glu (NM_001127500.3, NM_001324401.3); c.-91+26931C>G (NM_001324402.2); short protein forms Q142E.
Identifiers: ClinVar variation 524870 (VCV000524870.13), dbSNP rs1554378495, ClinGen allele CA368969052.

ClinVar aggregate classification (germline): Uncertain significance. Review status: criteria provided, multiple submitters, no conflicts (2 of 4 stars). 2 submissions from 2 submitters: Uncertain significance (2). Last evaluated 2025-11-15.

Conditions:
Renal cell carcinoma. Identifiers: Orphanet 217071, MedGen C0007134, MeSH D002292, MONDO:0005086, HP:0005584.
Hereditary cancer-predisposing syndrome. Also called: Neoplastic Syndromes, Hereditary; Hereditary neoplastic syndrome; Tumor predisposition; Hereditary Cancer Syndrome. Identifiers: Orphanet 140162, MedGen C0027672, MeSH D009386, MONDO:0015356.

Allele frequency attached by ClinVar (database versions not stated): TOPMed below 0.00001.

Submissions (2):

Ambry Genetics
Classification: Uncertain significance for Hereditary cancer-predisposing syndrome. Last evaluated: 2025-11-15. Review status: criteria provided, single submitter. Criteria: Ambry Variant Classification Scheme 2023. Collection method: clinical testing. Allele origin: germline.
Comment: The p.Q142E variant (also known as c.424C>G), located in coding exon 1 of the MET gene, results from a C to G substitution at nucleotide position 424. The glutamine at codon 142 is replaced by glutamic acid, an amino acid with highly similar properties. This amino acid position is conserved. In addition, this alteration is predicted to be tolerated by in silico analysis. Since supporting evidence is limited at this time, the clinical significance of this alteration remains unclear.

Labcorp Genetics (formerly Invitae), Labcorp
Classification: Uncertain significance for Renal cell carcinoma. Last evaluated: 2025-11-09. Review status: criteria provided, single submitter. Criteria: Invitae Variant Classification Sherloc (09022015). Collection method: clinical testing. Allele origin: germline.
Comment: This sequence change replaces glutamine, which is neutral and polar, with glutamic acid, which is acidic and polar, at codon 142 of the MET protein (p.Gln142Glu). This variant is not present in population databases (gnomAD no frequency). This variant has not been reported in the literature in individuals affected with MET-related conditions. ClinVar contains an entry for this variant (Variation ID: 524870). Invitae Evidence Modeling of protein sequence and biophysical properties (such as structural, functional, and spatial information, amino acid conservation, physicochemical variation, residue mobility, and thermodynamic stability) indicates that this missense variant is not expected to disrupt MET protein function with a negative predictive value of 80%. In summary, the available evidence is currently insufficient to determine the role of this variant in disease. Therefore, it has been classified as a Variant of Uncertain Significance.